The following is an entry in ClinVar:

NM_002206.3(ITGA7):c.998+4A>G

Gene: ITGA7 (integrin subunit alpha 7; minus strand). Cytogenetic location: 12q13.2.
Variant type: single nucleotide variant.
Coding change: c.998+4A>G on transcript NM_002206.3 (MANE Select); 4 bases into the intron after coding-DNA position 998, A replaced by G.
Molecular consequence: intron variant.
Genome position (GRCh38, 1-based): chr12:55,698,706, T>C on the plus strand (A>G on the coding strand, the complement: ITGA7 is on the minus strand). VCF-style: chr12-55698706-T-C. GRCh37 (hg19) VCF-style: chr12-56092490-T-C.
Other names: c.1010+4A>G (NM_001144996.2, NM_001414030.1, NM_001414029.1); c.1130+4A>G (NM_001410977.1); c.719+4A>G (NM_001144997.2); c.671+4A>G (NM_001367993.1); c.659+4A>G (NM_001414035.1); c.815+4A>G (NM_001414033.1); c.-295+4A>G (NM_001367994.1); c.878+4A>G (NM_001414032.1); and 1 more.
Identifiers: ClinVar variation 2718306 (VCV002718306.3), dbSNP rs2539808737, ClinGen allele CA2619202770.

ClinVar aggregate classification (germline): Uncertain significance (1 of 4 stars; one submission).

Conditions:
Congenital muscular dystrophy due to integrin alpha-7 deficiency. Also called: MYOPATHY, CONGENITAL, DUE TO INTEGRIN ALPHA-7 DEFICIENCY; Muscular dystrophy, congenital, due to ITGA7 deficiency; Congenital muscular dystrophy with integrin alpha-7 deficiency. Identifiers: Orphanet 34520, MedGen C2750786, MONDO:0013177, OMIM 613204.

Allele frequency attached by ClinVar (database versions not stated): gnomAD exomes below 0.00001.
gnomAD v4.1: 1 of 1,613,902 alleles (0.000062%); highest among the groups gnomAD compares: Middle Eastern, 0.016%; no homozygotes.

Submission:

Labcorp Genetics (formerly Invitae), Labcorp
Classification: Uncertain significance for Congenital muscular dystrophy due to integrin alpha-7 deficiency. Last evaluated: 2023-07-06. Review status: criteria provided, single submitter. Criteria: Invitae Variant Classification Sherloc (09022015). Collection method: clinical testing. Allele origin: germline.
Comment: In summary, the available evidence is currently insufficient to determine the role of this variant in disease. Therefore, it has been classified as a Variant of Uncertain Significance. This sequence change falls in intron 6 of the ITGA7 gene. It does not directly change the encoded amino acid sequence of the ITGA7 protein. It affects a nucleotide within the consensus splice site. This variant is not present in population databases (gnomAD no frequency). This variant has not been reported in the literature in individuals affected with ITGA7-related conditions. Variants that disrupt the consensus splice site are a relatively common cause of aberrant splicing (PMID: 17576681, 9536098). Algorithms developed to predict the effect of sequence changes on RNA splicing suggest that this variant may create or strengthen a splice site.

Literature cited by the submitters: PubMed 17576681; PubMed 9536098.